The following is an entry in ClinVar:

ClinVar aggregate classification (germline): Uncertain significance. Review status: criteria provided, multiple submitters, no conflicts (2 of 4 stars). 3 submissions from 3 submitters: Uncertain significance (3). Last evaluated 2026-01-12.

Conditions:
Sideroblastic anemia 3. Also called: Sideroblastic anemia 3, pyridoxine-refractory. Identifiers: Orphanet 255132, MedGen C4225155, MONDO:0014804, OMIM 616860.

Allele frequency attached by ClinVar (database versions not stated): gnomAD exomes below 0.00001 and 0.00001; ExAC 0.00001.
gnomAD v4.1: 5 of 1,613,898 alleles (0.00031%); highest among the groups gnomAD compares: East Asian, 0.0022%; no homozygotes.

Submissions (3):

Labcorp Genetics (formerly Invitae), Labcorp
Classification: Uncertain significance. Last evaluated: 2026-01-12. Review status: criteria provided, single submitter. Criteria: Invitae Variant Classification Sherloc (09022015). Collection method: clinical testing. Allele origin: germline.
Comment: This sequence change replaces asparagine, which is neutral and polar, with serine, which is neutral and polar, at codon 105 of the GLRX5 protein (p.Asn105Ser). This variant is present in population databases (rs773847949, gnomAD 0.01%). This variant has not been reported in the literature in individuals affected with GLRX5-related conditions. ClinVar contains an entry for this variant (Variation ID: 1029602). An algorithm developed to predict the effect of missense changes on protein structure and function (PolyPhen-2) suggests that this variant is likely to be tolerated. In summary, the available evidence is currently insufficient to determine the role of this variant in disease. Therefore, it has been classified as a Variant of Uncertain Significance.

GeneDx
Classification: Uncertain significance. Last evaluated: 2023-02-02. Review status: criteria provided, single submitter. Criteria: GeneDx Variant Classification Process June 2021. Collection method: clinical testing. Allele origin: germline. Affected: yes.
Comment: Not observed at significant frequency in large population cohorts (gnomAD); In silico analysis supports that this missense variant has a deleterious effect on protein structure/function; Has not been previously published as pathogenic or benign to our knowledge

Baylor Genetics
Classification: Uncertain significance for Sideroblastic anemia 3. Last evaluated: 2020-07-08. Review status: criteria provided, single submitter. Criteria: ACMG Guidelines, 2015. Collection method: clinical testing. Allele origin: unknown. Affected: yes.
Comment: This variant was determined to be of uncertain significance according to ACMG Guidelines, 2015 [PMID:25741868].

NM_016417.3(GLRX5):c.314A>G (p.Asn105Ser)

Gene: GLRX5 (glutaredoxin 5; plus strand). Cytogenetic location: 14q32.13.
Variant type: single nucleotide variant.
Coding change: c.314A>G on transcript NM_016417.3 (MANE Select); coding-DNA position 314, A replaced by G.
Protein change: p.Asn105Ser; replaces asparagine 105 with serine.
Molecular consequence: missense variant.
Genome position (GRCh38, 1-based): chr14:95,543,965, A>G. VCF-style: chr14-95543965-A-G. GRCh37 (hg19) VCF-style: chr14-96010302-A-G.
Other names: short protein forms N105S.
Identifiers: ClinVar variation 1029602 (VCV001029602.3), dbSNP rs773847949, ClinGen allele CA7333943.
Genomic context (GRCh38, chr14:95,543,965, plus strand): 5'-CTTTTACCATTTAAATAACAAATAAATGTTCTTTCTCCATAGGCATTAAAGACTATTCCA[A>G]CTGGCCCACCATCCCGCAAGTGTACCTCAATGGCGAGTTTGTAGGGGGCTGTGACATTCT-3'
Protein context (NP_057501.2, residues 95-115): ELRQGIKDYS[Asn105Ser]WPTIPQVYLN